The following is an entry in ClinVar:

ClinVar aggregate classification (germline): Likely benign (0 of 4 stars; one submission).

Conditions:
CAMTA1-related disorder. Also called: CAMTA1-related condition.

Allele frequency attached by ClinVar (database versions not stated): gnomAD 0.00001.
gnomAD v4.1: 2 of 1,614,090 alleles (0.00012%); highest among the groups gnomAD compares: African/African-American, 0.0027%; no homozygotes.

Submission:

PreventionGenetics, part of Exact Sciences
Classification: Likely benign for CAMTA1-related condition. Last evaluated: 2019-09-17. Review status: no assertion criteria provided. Collection method: clinical testing. Allele origin: germline.
Comment: This variant is classified as likely benign based on ACMG/AMP sequence variant interpretation guidelines (Richards et al. 2015 PMID: 25741868, with internal and published modifications).

NM_015215.4(CAMTA1):c.4446C>A (p.Ile1482=)

Gene: CAMTA1 (calmodulin binding transcription activator 1; plus strand). Cytogenetic location: 1p36.23.
Variant type: single nucleotide variant.
Coding change: c.4446C>A on transcript NM_015215.4 (MANE Select); coding-DNA position 4446, C replaced by A.
Protein change: p.Ile1482=; no amino-acid change (isoleucine 1482 retained).
Molecular consequence: synonymous variant.
Genome position (GRCh38, 1-based): chr1:7,745,920, C>A. VCF-style: chr1-7745920-C-A. GRCh37 (hg19) VCF-style: chr1-7805980-C-A.
Other names: c.4356C>A, p.Ile1452= (NM_001349608.2); c.4107C>A, p.Ile1369= (NM_001349609.2, NM_001349610.2, NM_001410737.1); c.4017C>A, p.Ile1339= (NM_001349612.2); c.1575C>A, p.Ile525= (NM_001349613.1); c.1518C>A, p.Ile506= (NM_001349614.1, NM_001349615.2, NM_001349616.2 and 2 more transcripts); c.1179C>A, p.Ile393= (NM_001349619.2, NM_001349620.1, NM_001349621.1 and 5 more transcripts); c.4035C>A, p.Ile1345= (NM_001410738.1).
Identifiers: ClinVar variation 3040003 (VCV003040003.2), dbSNP rs1362730707, ClinGen allele CA415823381.